The following is an entry in ClinVar:

ClinVar aggregate classification (germline): Conflicting classifications of pathogenicity. Review status: criteria provided, conflicting classifications (1 of 4 stars). 3 submissions from 3 submitters: Uncertain significance (2); Likely benign (1). Last evaluated 2025-03-19.

Conditions:
Autosomal recessive limb-girdle muscular dystrophy type R18 (LGMDR18). Also called: MUSCULAR DYSTROPHY, LIMB-GIRDLE, AUTOSOMAL RECESSIVE 18; Limb-girdle muscular dystrophy, type 2S; Autosomal recessive limb-girdle muscular dystrophy type 2S. Identifiers: Orphanet 369840, MedGen C4517996, MONDO:0014144, OMIM 615356.

Allele frequency attached by ClinVar (database versions not stated): gnomAD exomes 0.00003 and 0.00010; ExAC 0.00014; 1000 Genomes Project 0.00020; 1000 Genomes Project 30x 0.00031; gnomAD 0.00034 and 0.00039; ESP Exome Variant Server 0.00038; TOPMed 0.00040.
gnomAD v4.1: 98 of 1,613,962 alleles (0.0061%); highest among the groups gnomAD compares: African/African-American, 0.12%; no homozygotes.

Submissions (3):

GeneDx
Classification: Uncertain significance. Last evaluated: 2025-03-19. Review status: criteria provided, single submitter. Criteria: GeneDx Variant Classification Process June 2021. Collection method: clinical testing. Allele origin: germline. Affected: yes.
Comment: In silico analysis indicates that this missense variant does not alter protein structure/function; Has not been previously published as pathogenic or benign to our knowledge

Revvity Omics, Revvity
Classification: Likely benign for Autosomal recessive limb-girdle muscular dystrophy type R18. Last evaluated: 2023-11-07. Review status: criteria provided, single submitter. Criteria: ACMG Guidelines, 2015. Collection method: clinical testing. Allele origin: germline.

Labcorp Genetics (formerly Invitae), Labcorp
Classification: Uncertain significance for Autosomal recessive limb-girdle muscular dystrophy type R18. Last evaluated: 2022-08-09. Review status: criteria provided, single submitter. Criteria: Invitae Variant Classification Sherloc (09022015). Collection method: clinical testing. Allele origin: germline.
Comment: This sequence change replaces glutamic acid, which is acidic and polar, with aspartic acid, which is acidic and polar, at codon 715 of the TRAPPC11 protein (p.Glu715Asp). This variant is present in population databases (rs139034513, gnomAD 0.1%). This variant has not been reported in the literature in individuals affected with TRAPPC11-related conditions. ClinVar contains an entry for this variant (Variation ID: 1043662). Algorithms developed to predict the effect of missense changes on protein structure and function are either unavailable or do not agree on the potential impact of this missense change (SIFT: "Tolerated"; PolyPhen-2: "Possibly Damaging"; Align-GVGD: "Class C0"). In summary, the available evidence is currently insufficient to determine the role of this variant in disease. Therefore, it has been classified as a Variant of Uncertain Significance.

NM_021942.6(TRAPPC11):c.2145A>C (p.Glu715Asp)

Gene: TRAPPC11 (trafficking protein particle complex subunit 11; plus strand). Cytogenetic location: 4q35.1.
Variant type: single nucleotide variant.
Coding change: c.2145A>C on transcript NM_021942.6 (MANE Select); coding-DNA position 2145, A replaced by C.
Protein change: p.Glu715Asp; replaces glutamic acid 715 with aspartic acid.
Molecular consequence: missense variant.
Genome position (GRCh38, 1-based): chr4:183,693,055, A>C. VCF-style: chr4-183693055-A-C. GRCh37 (hg19) VCF-style: chr4-184614208-A-C.
Other names: c.2145A>C (NM_021942.5); c.2145A>C, p.Glu715Asp (NM_199053.3); short protein forms E715D.
Identifiers: ClinVar variation 1043662 (VCV001043662.7), dbSNP rs139034513, ClinGen allele CA3152114.
Genomic context (GRCh38, chr4:183,693,055, plus strand): 5'-GGGAAGATGTGTGGTTTTAAATTGGCAGGGAGGAGGAGGAGATGCTGCTTCCTCCCAAGA[A>C]GCCTTACAGGCAGCTCGGTCTTTCAAAAGGCGACCTAAGCTACCTGACAATGAAGTTCAC-3'
Protein context (NP_068761.4, residues 705-725): GGGGDAASSQ[Glu715Asp]ALQAARSFKR